The following is an entry in ClinVar:

NM_000038.6(APC):c.8237T>G (p.Val2746Gly)

Gene: APC (APC regulator of Wnt signaling pathway; plus strand). Cytogenetic location: 5q22.2.
Variant type: single nucleotide variant.
Coding change: c.8237T>G on transcript NM_000038.6 (MANE Select); coding-DNA position 8237, T replaced by G.
Protein change: p.Val2746Gly; replaces valine 2746 with glycine.
Molecular consequence: missense variant.
Genome position (GRCh38, 1-based): chr5:112,843,831, T>G. VCF-style: chr5-112843831-T-G. GRCh37 (hg19) VCF-style: chr5-112179528-T-G.
Other names: c.8237T>G, p.Val2746Gly (NM_001127510.3, NM_001354895.2); c.8183T>G, p.Val2728Gly (NM_001127511.3); c.8291T>G, p.Val2764Gly (NM_001354896.2); c.8267T>G, p.Val2756Gly (NM_001354897.2); c.8162T>G, p.Val2721Gly (NM_001354898.2); c.8153T>G, p.Val2718Gly (NM_001354899.2); c.8114T>G, p.Val2705Gly (NM_001354900.2); c.8060T>G, p.Val2687Gly (NM_001354901.2); and 5 more; short protein forms V2718G, V2756G, V2586G, V2645G, V2655G, V2728G, V2463G, V2620G.
Identifiers: ClinVar variation 841420 (VCV000841420.13), dbSNP rs764348464, ClinGen allele CA16039211.

ClinVar aggregate classification (germline): Uncertain significance. Review status: criteria provided, multiple submitters, no conflicts (2 of 4 stars). 2 submissions from 2 submitters: Uncertain significance (2). Last evaluated 2023-06-12.

Conditions:
Familial adenomatous polyposis 1 (FAP1). Also called: FAMILIAL ADENOMATOUS POLYPOSIS 1, ATTENUATED; POLYPOSIS, ADENOMATOUS INTESTINAL. Identifiers: MedGen C2713442, MONDO:0021056, OMIM 175100. Disease mechanism: loss of function.
Hereditary cancer-predisposing syndrome. Also called: Hereditary Cancer Syndrome; Hereditary neoplastic syndrome; Tumor predisposition; Neoplastic Syndromes, Hereditary. Identifiers: Orphanet 140162, MedGen C0027672, MeSH D009386, MONDO:0015356.

Submissions (2):

Ambry Genetics
Classification: Uncertain significance for Hereditary cancer-predisposing syndrome. Last evaluated: 2023-06-12. Review status: criteria provided, single submitter. Criteria: Ambry Variant Classification Scheme 2023. Collection method: clinical testing. Allele origin: germline.
Comment: The p.V2746G variant (also known as c.8237T>G), located in coding exon 15 of the APC gene, results from a T to G substitution at nucleotide position 8237. The valine at codon 2746 is replaced by glycine, an amino acid with dissimilar properties. This amino acid position is conserved. In addition, in silico predictors for this gene do not accurately predict pathogenicity. Since supporting evidence is limited at this time, the clinical significance of this alteration remains unclear.

Labcorp Genetics (formerly Invitae), Labcorp
Classification: Uncertain significance for Familial adenomatous polyposis 1. Last evaluated: 2019-01-08. Review status: criteria provided, single submitter. Criteria: Invitae Variant Classification Sherloc (09022015). Collection method: clinical testing. Allele origin: germline.
Comment: In summary, the available evidence is currently insufficient to determine the role of this variant in disease. Therefore, it has been classified as a Variant of Uncertain Significance. Algorithms developed to predict the effect of missense changes on protein structure and function (SIFT, PolyPhen-2, Align-GVGD) all suggest that this variant is likely to be tolerated, but these predictions have not been confirmed by published functional studies and their clinical significance is uncertain. This variant has not been reported in the literature in individuals with APC-related conditions. This variant is not present in population databases (ExAC no frequency). This sequence change replaces valine with glycine at codon 2746 of the APC protein (p.Val2746Gly). The valine residue is moderately conserved and there is a moderate physicochemical difference between valine and glycine.